The following is an entry in ClinVar:

NM_006767.4(LZTR1):c.1053del (p.Tyr352fs)

Gene: LZTR1 (leucine zipper like post translational regulator 1; plus strand). Cytogenetic location: 22q11.21.
Variant type: Deletion.
Coding change: c.1053del on transcript NM_006767.4 (MANE Select); coding-DNA position 1053, one base deleted (C; older notation c.1053delC).
Protein change: p.Tyr352fs; shifts the reading frame from tyrosine 352.
Molecular consequence: frameshift variant.
Genome position (GRCh38, 1-based): chr22:20,992,273, C deleted; the last of 2 consecutive C bases (chr22:20,992,272-20,992,273); deleting either gives the same sequence. VCF-style (leftmost placement, unchanged base first): chr22-20992271-AC-A. GRCh37 (hg19) VCF-style: chr22-21346560-AC-A.
Other names: short protein forms Y352fs.
Identifiers: ClinVar variation 1435846 (VCV001435846.6), dbSNP rs2147965456, ClinGen allele CA2573157804.

ClinVar aggregate classification (germline): Pathogenic (1 of 4 stars; one submission).

Submission:

Labcorp Genetics (formerly Invitae), Labcorp
Classification: Pathogenic. Last evaluated: 2021-11-04. Review status: criteria provided, single submitter. Criteria: Invitae Variant Classification Sherloc (09022015). Collection method: clinical testing. Allele origin: germline.
Comment: This variant is not present in population databases (gnomAD no frequency). This sequence change creates a premature translational stop signal (p.Tyr352Metfs*109) in the LZTR1 gene. It is expected to result in an absent or disrupted protein product. Loss-of-function variants in LZTR1 are known to be pathogenic (PMID: 24362817, 25335493, 25480913, 25795793, 29469822, 30442762, 30442766, 30481304, 30859559). This variant has not been reported in the literature in individuals affected with LZTR1-related conditions. For these reasons, this variant has been classified as Pathogenic.

Literature cited by the submitters: PubMed 24362817; PubMed 25335493; PubMed 25480913; PubMed 25795793; PubMed 29469822; PubMed 30442762; PubMed 30442766; PubMed 30481304; PubMed 30859559.